The following is an entry in ClinVar:

NM_005422.4(TECTA):c.2367+6G>C

Genes: TBCEL-TECTA (TBCEL-TECTA readthrough; plus strand), TECTA (tectorin alpha; plus strand). Cytogenetic location: 11q23.3.
Variant type: single nucleotide variant.
Coding change: c.2367+6G>C on transcript NM_005422.4 (MANE Select); 6 bases into the intron after coding-DNA position 2367, G replaced by C.
Molecular consequence: intron variant.
Genome position (GRCh38, 1-based): chr11:121,128,350, G>C. VCF-style: chr11-121128350-G-C. GRCh37 (hg19) VCF-style: chr11-120999059-G-C.
Other names: c.3324+6G>C (NM_001378761.1).
Identifiers: ClinVar variation 2784874 (VCV002784874.3), dbSNP rs555970010, ClinGen allele CA6326970.

ClinVar aggregate classification (germline): Uncertain significance (1 of 4 stars; one submission).

Allele frequency attached by ClinVar (database versions not stated): 1000 Genomes Project 0.00020.
gnomAD v4.1: 7 of 1,599,022 alleles (0.00044%); highest among the groups gnomAD compares: South Asian, 0.0011%; no homozygotes.

Submission:

Labcorp Genetics (formerly Invitae), Labcorp
Classification: Uncertain significance. Last evaluated: 2023-10-13. Review status: criteria provided, single submitter. Criteria: Invitae Variant Classification Sherloc (09022015). Collection method: clinical testing. Allele origin: germline.
Comment: This sequence change falls in intron 8 of the TECTA gene. It does not directly change the encoded amino acid sequence of the TECTA protein. It affects a nucleotide within the consensus splice site. This variant is present in population databases (rs555970010, gnomAD 0.003%). This variant has not been reported in the literature in individuals affected with TECTA-related conditions. Variants that disrupt the consensus splice site are a relatively common cause of aberrant splicing (PMID: 17576681, 9536098). Algorithms developed to predict the effect of sequence changes on RNA splicing suggest that this variant is not likely to affect RNA splicing. In summary, the available evidence is currently insufficient to determine the role of this variant in disease. Therefore, it has been classified as a Variant of Uncertain Significance.

Literature cited by the submitters: PubMed 17576681; PubMed 9536098.